The following is an entry in ClinVar:

ClinVar aggregate classification (germline): Uncertain significance (1 of 4 stars; one submission).

Conditions:
Alagille syndrome due to a JAG1 point mutation. Also called: HEPATIC DUCTULAR HYPOPLASIA, SYNDROMATIC; JAG1-Related Alagille Syndrome; Alagille Syndrome 1. Identifiers: Orphanet 261619, Orphanet 52, MedGen C1956125, MONDO:0016862, OMIM 118450.

Allele frequency attached by ClinVar (database versions not stated): gnomAD exomes below 0.00001; gnomAD 0.00001; TOPMed 0.00001.
gnomAD v4.1: 2 of 1,614,050 alleles (0.00012%); highest among the groups gnomAD compares: Non-Finnish European, 0.00017%; no homozygotes.

Submission:

Labcorp Genetics (formerly Invitae), Labcorp
Classification: Uncertain significance for Alagille syndrome due to a JAG1 point mutation. Last evaluated: 2022-03-09. Review status: criteria provided, single submitter. Criteria: Invitae Variant Classification Sherloc (09022015). Collection method: clinical testing. Allele origin: germline.
Comment: This sequence change replaces alanine, which is neutral and non-polar, with glycine, which is neutral and non-polar, at codon 1106 of the JAG1 protein (p.Ala1106Gly). This variant is not present in population databases (gnomAD no frequency). This variant has not been reported in the literature in individuals affected with JAG1-related conditions. Advanced modeling of protein sequence and biophysical properties (such as structural, functional, and spatial information, amino acid conservation, physicochemical variation, residue mobility, and thermodynamic stability) performed at Invitae indicates that this missense variant is not expected to disrupt JAG1 protein function. In summary, the available evidence is currently insufficient to determine the role of this variant in disease. Therefore, it has been classified as a Variant of Uncertain Significance.

NM_000214.3(JAG1):c.3317C>G (p.Ala1106Gly)

Gene: JAG1 (jagged canonical Notch ligand 1; minus strand). Cytogenetic location: 20p12.2.
Variant type: single nucleotide variant.
Coding change: c.3317C>G on transcript NM_000214.3 (MANE Select); coding-DNA position 3317, C replaced by G.
Protein change: p.Ala1106Gly; replaces alanine 1106 with glycine.
Molecular consequence: missense variant.
Genome position (GRCh38, 1-based): chr20:10,639,838, G>C on the plus strand (C>G on the coding strand, the complement: JAG1 is on the minus strand). VCF-style: chr20-10639838-G-C. GRCh37 (hg19) VCF-style: chr20-10620486-G-C.
Other names: short protein forms A1106G.
Identifiers: ClinVar variation 1989292 (VCV001989292.4), dbSNP rs1194532829, ClinGen allele CA408243395.